The following is an entry in ClinVar:

NM_018418.5(SPATA7):c.1483A>G (p.Ile495Val)

Gene: SPATA7 (spermatogenesis associated 7; plus strand). Cytogenetic location: 14q31.3.
Variant type: single nucleotide variant.
Coding change: c.1483A>G on transcript NM_018418.5 (MANE Select); coding-DNA position 1483, A replaced by G.
Protein change: p.Ile495Val; replaces isoleucine 495 with valine.
Molecular consequence: missense variant.
Genome position (GRCh38, 1-based): chr14:88,438,105, A>G. VCF-style: chr14-88438105-A-G. GRCh37 (hg19) VCF-style: chr14-88904449-A-G.
Other names: c.1387A>G, p.Ile463Val (NM_001040428.4); short protein forms I495V, I463V.
Identifiers: ClinVar variation 842066 (VCV000842066.8), dbSNP rs1284148609, ClinGen allele CA390572232.

ClinVar aggregate classification (germline): Uncertain significance. Review status: criteria provided, multiple submitters, no conflicts (2 of 4 stars). 2 submissions from 2 submitters: Uncertain significance (2). Last evaluated 2022-11-01.

Conditions:
Leber congenital amaurosis 3 (LCA3). Also called: SPATA7-Related Retinitis Pigmentosa. Identifiers: MedGen C1858677, MONDO:0011415, OMIM 604232.

Allele frequency attached by ClinVar (database versions not stated): gnomAD exomes 0.00002 and 0.00003; TOPMed 0.00014; gnomAD 0.00016 and 0.00017.
gnomAD v4.1: 35 of 1,613,984 alleles (0.0022%); highest among the groups gnomAD compares: Admixed American, 0.058%; no homozygotes.

Submissions (2):

Labcorp Genetics (formerly Invitae), Labcorp
Classification: Uncertain significance for Leber congenital amaurosis 3. Last evaluated: 2022-11-01. Review status: criteria provided, single submitter. Criteria: Invitae Variant Classification Sherloc (09022015). Collection method: clinical testing. Allele origin: germline.
Comment: In summary, the available evidence is currently insufficient to determine the role of this variant in disease. Therefore, it has been classified as a Variant of Uncertain Significance. Advanced modeling of protein sequence and biophysical properties (such as structural, functional, and spatial information, amino acid conservation, physicochemical variation, residue mobility, and thermodynamic stability) performed at Invitae indicates that this missense variant is not expected to disrupt SPATA7 protein function. ClinVar contains an entry for this variant (Variation ID: 842066). This variant has not been reported in the literature in individuals affected with SPATA7-related conditions. This variant is present in population databases (no rsID available, gnomAD 0.02%). This sequence change replaces isoleucine, which is neutral and non-polar, with valine, which is neutral and non-polar, at codon 495 of the SPATA7 protein (p.Ile495Val).

Blueprint Genetics
Classification: Uncertain significance. Last evaluated: 2022-01-20. Review status: criteria provided, single submitter. Criteria: ACMG Guidelines, 2015. Collection method: clinical testing. Allele origin: germline.